The following is an entry in ClinVar:

NM_000414.4(HSD17B4):c.746G>A (p.Trp249Ter)

Gene: HSD17B4 (hydroxysteroid 17-beta dehydrogenase 4; plus strand). Cytogenetic location: 5q23.1.
Variant type: single nucleotide variant.
Coding change: c.746G>A on transcript NM_000414.4 (MANE Select); coding-DNA position 746, G replaced by A.
Protein change: p.Trp249Ter; replaces tryptophan 249 with a stop codon.
Molecular consequence: nonsense. On other transcripts: non-coding transcript variant (2).
Genome position (GRCh38, 1-based): chr5:119,493,824, G>A. VCF-style: chr5-119493824-G-A. GRCh37 (hg19) VCF-style: chr5-118829519-G-A.
Other names: c.821G>A, p.Trp274Ter (NM_001199291.3); c.692G>A, p.Trp231Ter (NM_001199292.2); c.674G>A, p.Trp225Ter (NM_001292027.2); c.326G>A, p.Trp109Ter (NM_001292028.2); c.737G>A, p.Trp246Ter (NM_001374497.1); c.746G>A, p.Trp249Ter (NM_001374498.1); c.419G>A, p.Trp140Ter (NM_001374499.1); c.305G>A, p.Trp102Ter (NM_001374500.1); and 1 more; short protein forms W102*, W109*, W112*, W140*, W225*, W231*, W246*, W249*.
Identifiers: ClinVar variation 4818358 (VCV004818358.1).

ClinVar aggregate classification (germline): Likely pathogenic (1 of 4 stars; one submission).

Conditions:
Bifunctional peroxisomal enzyme deficiency (DBIF). Also called: DBP DEFICIENCY; PBFE DEFICIENCY; D-bifunctional protein deficiency. Identifiers: Orphanet 300, MedGen C0342870, MONDO:0009855, OMIM 261515. Disease mechanism: loss of function.

Submission:

Natera, Inc.
Classification: Likely pathogenic for Bifunctional peroxisomal enzyme deficiency. Last evaluated: 2024-05-31. Review status: criteria provided, single submitter. Criteria: Natera Variant Classification Schema (03/2026). Collection method: clinical testing. Allele origin: germline.
Comment: The c.746G>A variant in HSD17B4 is a nonsense variant predicted to introduce a stop codon at amino acid 249. This variant is expected to result in nonsense mediated decay, truncation, or a dysfunctional protein product. This variant is rare in the general population with a frequency below the threshold expected for the associated phenotype(s). Given the available evidence, this variant is classified as Likely Pathogenic.